The following is an entry in ClinVar:

NM_025137.4(SPG11):c.4453T>C (p.Cys1485Arg)

Gene: SPG11 (SPG11 vesicle trafficking associated, spatacsin; minus strand). Cytogenetic location: 15q21.1.
Variant type: single nucleotide variant.
Coding change: c.4453T>C on transcript NM_025137.4 (MANE Select); coding-DNA position 4453, T replaced by C.
Protein change: p.Cys1485Arg; replaces cysteine 1485 with arginine.
Molecular consequence: missense variant.
Genome position (GRCh38, 1-based): chr15:44,595,441, A>G on the plus strand (T>C on the coding strand, the complement: SPG11 is on the minus strand). VCF-style: chr15-44595441-A-G. GRCh37 (hg19) VCF-style: chr15-44887639-A-G.
Other names: c.4453T>C, p.Cys1485Arg (NM_001160227.2, NM_001411132.1); short protein forms C1485R.
Identifiers: ClinVar variation 1740722 (VCV001740722.2), dbSNP rs2505362839, ClinGen allele CA392226909.
Genomic context (GRCh38, chr15:44,595,441, plus strand): 5'-GTCCCATTGCTTCAGTTGCAACATTGTCCTCCACAGAAGTGATGATCCAAACACAGAGAC[A>G]AGAAATGGCACTGGCACCCTGCCACGGGATAAATAAAATAACAACTAGGCCTGGATTACC-3'
Protein context (NP_079413.3, residues 1475-1495): SCLQGASAIS[Cys1485Arg]LCVWIITSVE

ClinVar aggregate classification (germline): Uncertain significance (1 of 4 stars; one submission).

Conditions:
Inborn genetic diseases. Identifiers: MedGen C0950123, MeSH D030342.

Submission:

Ambry Genetics
Classification: Uncertain significance for Inborn genetic diseases. Last evaluated: 2022-09-14. Review status: criteria provided, single submitter. Criteria: Ambry Variant Classification Scheme 2023. Collection method: clinical testing. Allele origin: germline.
Comment: The p.C1485R variant (also known as c.4453T>C), located in coding exon 26 of the SPG11 gene, results from a T to C substitution at nucleotide position 4453. The cysteine at codon 1485 is replaced by arginine, an amino acid with highly dissimilar properties. This amino acid position is conserved. In addition, this alteration is predicted to be deleterious by in silico analysis. Since supporting evidence is limited at this time, the clinical significance of this alteration remains unclear.